The following is an entry in ClinVar:

ClinVar aggregate classification (germline): Uncertain significance (1 of 4 stars; one submission).

Allele frequency attached by ClinVar (database versions not stated): ExAC 0.00003; gnomAD exomes 0.00003.
gnomAD v4.1: 49 of 1,613,628 alleles (0.003%); highest among the groups gnomAD compares: Non-Finnish European, 0.0035%; no homozygotes.

Submission:

GeneDx
Classification: Uncertain significance. Last evaluated: 2023-03-08. Review status: criteria provided, single submitter. Criteria: GeneDx Variant Classification Process June 2021. Collection method: clinical testing. Allele origin: germline. Affected: yes.
Comment: Not observed at significant frequency in large population cohorts (gnomAD); In silico analysis supports that this missense variant does not alter protein structure/function; Has not been previously published as pathogenic or benign to our knowledge

NM_003922.4(HERC1):c.1685A>G (p.Asn562Ser)

Gene: HERC1 (HECT and RLD domain containing E3 ubiquitin protein ligase family member 1; minus strand). Cytogenetic location: 15q22.31.
Variant type: single nucleotide variant.
Coding change: c.1685A>G on transcript NM_003922.4 (MANE Select); coding-DNA position 1685, A replaced by G.
Protein change: p.Asn562Ser; replaces asparagine 562 with serine.
Molecular consequence: missense variant.
Genome position (GRCh38, 1-based): chr15:63,754,594, T>C on the plus strand (A>G on the coding strand, the complement: HERC1 is on the minus strand). VCF-style: chr15-63754594-T-C. GRCh37 (hg19) VCF-style: chr15-64046793-T-C.
Other names: short protein forms N562S.
Identifiers: ClinVar variation 2579337 (VCV002579337.1), dbSNP rs779285476, ClinGen allele CA7606419.